The following is an entry in ClinVar:

ClinVar aggregate classification (germline): Uncertain significance (1 of 4 stars; one submission).

Allele frequency attached by ClinVar (database versions not stated): gnomAD exomes below 0.00001; ExAC 0.00001; gnomAD 0.00001.
gnomAD v4.1: 2 of 1,613,748 alleles (0.00012%); highest among the groups gnomAD compares: African/African-American, 0.0013%; no homozygotes.

Submission:

Labcorp Genetics (formerly Invitae), Labcorp
Classification: Uncertain significance. Last evaluated: 2018-04-06. Review status: criteria provided, single submitter. Criteria: Invitae Variant Classification Sherloc (09022015). Collection method: clinical testing. Allele origin: germline.
Comment: Algorithms developed to predict the effect of missense changes on protein structure and function do not agree on the potential impact of this missense change (SIFT: "Tolerated"; PolyPhen-2: "Probably Damaging"; Align-GVGD: "Class C0"). In summary, the available evidence is currently insufficient to determine the role of this variant in disease. Therefore, it has been classified as a Variant of Uncertain Significance. This variant has not been reported in the literature in individuals with IMPDH1-related disease. This sequence change replaces lysine with glutamic acid at codon 494 of the IMPDH1 protein (p.Lys494Glu). The lysine residue is highly conserved and there is a small physicochemical difference between lysine and glutamic acid. This variant is present in population databases (rs778966151, ExAC 0.002%).

NM_000883.4(IMPDH1):c.1480A>G (p.Lys494Glu)

Gene: IMPDH1 (inosine monophosphate dehydrogenase 1; minus strand). Cytogenetic location: 7q32.1.
Variant type: single nucleotide variant.
Coding change: c.1480A>G on transcript NM_000883.4 (MANE Select); coding-DNA position 1480, A replaced by G.
Protein change: p.Lys494Glu; replaces lysine 494 with glutamic acid.
Molecular consequence: missense variant.
Genome position (GRCh38, 1-based): chr7:128,394,959, T>C on the plus strand (A>G on the coding strand, the complement: IMPDH1 is on the minus strand). VCF-style: chr7-128394959-T-C. GRCh37 (hg19) VCF-style: chr7-128035013-T-C.
Other names: c.1450A>G, p.Lys484Glu (NM_001102605.2); c.1225A>G, p.Lys409Glu (NM_001142573.2); c.1210A>G, p.Lys404Glu (NM_001142574.2); c.1150A>G, p.Lys384Glu (NM_001142575.2); c.1381A>G, p.Lys461Glu (NM_001142576.2); c.1273A>G, p.Lys425Glu (NM_001304521.2); c.1372A>G, p.Lys458Glu (NM_183243.3); short protein forms K384E, K404E, K409E, K425E, K458E, K461E, K484E, K494E.
Identifiers: ClinVar variation 1053868 (VCV001053868.9), dbSNP rs778966151, ClinGen allele CA4470819.